The following is an entry in ClinVar:

NM_012123.4(MTO1):c.1306C>T (p.Pro436Ser)

Gene: MTO1 (mitochondrial tRNA translation optimization 1; plus strand). Cytogenetic location: 6q13.
Variant type: single nucleotide variant.
Coding change: c.1306C>T on transcript NM_012123.4 (MANE Select); coding-DNA position 1306, C replaced by T.
Protein change: p.Pro436Ser; replaces proline 436 with serine.
Molecular consequence: missense variant.
Genome position (GRCh38, 1-based): chr6:73,482,085, C>T. VCF-style: chr6-73482085-C-T. GRCh37 (hg19) VCF-style: chr6-74191808-C-T.
Other names: c.1426C>T, p.Pro476Ser (NM_001123226.2); c.1381C>T, p.Pro461Ser (NM_133645.3); c.1426C>T (NM_001123226.1); short protein forms P461S, P436S, P476S.
Identifiers: ClinVar variation 1440177 (VCV001440177.10), dbSNP rs144134827, ClinGen allele CA140962961.

ClinVar aggregate classification (germline): Uncertain significance. Review status: criteria provided, multiple submitters, no conflicts (2 of 4 stars). 2 submissions from 2 submitters: Uncertain significance (2). Last evaluated 2025-04-25.

Conditions:
Inborn genetic diseases. Identifiers: MedGen C0950123, MeSH D030342.
Mitochondrial hypertrophic cardiomyopathy with lactic acidosis due to MTO1 deficiency. Also called: CARDIOMYOPATHY, INFANTILE HYPERTROPHIC MITOCHONDRIAL, AND LACTIC ACIDOSIS; Combined oxidative phosphorylation deficiency 10. Identifiers: Orphanet 314637, MedGen C4749921, MONDO:0013865, OMIM 614702.

Allele frequency attached by ClinVar (database versions not stated): gnomAD 0.00005; TOPMed 0.00009.

Submissions (2):

Ambry Genetics
Classification: Uncertain significance for Inborn genetic diseases. Last evaluated: 2025-04-25. Review status: criteria provided, single submitter. Criteria: Ambry Variant Classification Scheme 2023. Collection method: clinical testing. Allele origin: germline.

Labcorp Genetics (formerly Invitae), Labcorp
Classification: Uncertain significance for Mitochondrial hypertrophic cardiomyopathy with lactic acidosis due to MTO1 deficiency. Last evaluated: 2024-06-19. Review status: criteria provided, single submitter. Criteria: Invitae Variant Classification Sherloc (09022015). Collection method: clinical testing. Allele origin: germline.
Comment: This sequence change replaces proline, which is neutral and non-polar, with serine, which is neutral and polar, at codon 436 of the MTO1 protein (p.Pro436Ser). This variant is present in population databases (no rsID available, gnomAD no frequency). This variant has not been reported in the literature in individuals affected with MTO1-related conditions. ClinVar contains an entry for this variant (Variation ID: 1440177). Advanced modeling of protein sequence and biophysical properties (such as structural, functional, and spatial information, amino acid conservation, physicochemical variation, residue mobility, and thermodynamic stability) performed at Invitae indicates that this missense variant is not expected to disrupt MTO1 protein function with a negative predictive value of 95%. In summary, the available evidence is currently insufficient to determine the role of this variant in disease. Therefore, it has been classified as a Variant of Uncertain Significance.